The following is an entry in ClinVar:

ClinVar aggregate classification (germline): Uncertain significance. Review status: criteria provided, multiple submitters, no conflicts (2 of 4 stars). 2 submissions from 2 submitters: Uncertain significance (2). Last evaluated 2025-06-09.

Conditions:
Familial cold autoinflammatory syndrome 3 (FCAS3). Also called: ANTIBODY DEFICIENCY AND IMMUNE DYSREGULATION, PLCG2-ASSOCIATED; FAMILIAL ATYPICAL COLD URTICARIA. Identifiers: Orphanet 300359, MedGen C3280914, MONDO:0013766, OMIM 614468.
Autoinflammation-PLCG2-associated antibody deficiency-immune dysregulation. Also called: AUTOINFLAMMATION, ANTIBODY DEFICIENCY, AND IMMUNE DYSREGULATION; Autoinflammation, antibody deficiency, and immune dysregulation, plcg2-associated; Autoinflammation, antibody deficiency, and immune dysregulation syndrome. Identifiers: Orphanet 324530, MedGen C3553961, MONDO:0013944, OMIM 614878.

Allele frequency attached by ClinVar (database versions not stated): gnomAD 0.00001; TOPMed 0.00003.
gnomAD v4.1: 19 of 1,572,378 alleles (0.0012%); highest among the groups gnomAD compares: African/African-American, 0.0027%; no homozygotes.

Submissions (2):

Labcorp Genetics (formerly Invitae), Labcorp
Classification: Uncertain significance for Familial cold autoinflammatory syndrome 3. Last evaluated: 2025-06-09. Review status: criteria provided, single submitter. Criteria: Invitae Variant Classification Sherloc (09022015). Collection method: clinical testing. Allele origin: germline.
Comment: This sequence change replaces threonine, which is neutral and polar, with methionine, which is neutral and non-polar, at codon 292 of the PLCG2 protein (p.Thr292Met). This variant is present in population databases (rs772003833, gnomAD 0.007%). This missense change has been observed in individual(s) with PLCG2-related conditions (PMID: 37769878). ClinVar contains an entry for this variant (Variation ID: 1468611). An algorithm developed to predict the effect of missense changes on protein structure and function outputs the following: PolyPhen-2: "Benign". The methionine amino acid residue is found in multiple mammalian species, which suggests that this missense change does not adversely affect protein function. Experimental studies have shown that this missense change does not substantially affect PLCG2 function (PMID: 37769878). In summary, the available evidence is currently insufficient to determine the role of this variant in disease. Therefore, it has been classified as a Variant of Uncertain Significance.

Fulgent Genetics
Classification: Uncertain significance for Familial cold autoinflammatory syndrome 3; Autoinflammation-PLCG2-associated antibody deficiency-immune dysregulation. Last evaluated: 2022-03-08. Review status: criteria provided, single submitter. Criteria: ACMG Guidelines, 2015. Collection method: clinical testing. Allele origin: unknown.

Literature cited by the submitters: PubMed 37769878 (cited by Labcorp Genetics (formerly Invitae), Labcorp).

NM_002661.5(PLCG2):c.875C>T (p.Thr292Met)

Gene: PLCG2 (phospholipase C gamma 2; plus strand). Cytogenetic location: 16q23.3.
Variant type: single nucleotide variant.
Coding change: c.875C>T on transcript NM_002661.5 (MANE Select); coding-DNA position 875, C replaced by T.
Protein change: p.Thr292Met; replaces threonine 292 with methionine.
Molecular consequence: missense variant.
Genome position (GRCh38, 1-based): chr16:81,891,479, C>T. VCF-style: chr16-81891479-C-T. GRCh37 (hg19) VCF-style: chr16-81925084-C-T.
Other names: short protein forms T292M.
Identifiers: ClinVar variation 1468611 (VCV001468611.9), dbSNP rs772003833, ClinGen allele CA8193501.